The following is an entry in ClinVar:

ClinVar aggregate classification (germline): Uncertain significance (1 of 4 stars; one submission).

Conditions:
Heart defects, congenital, and other congenital anomalies. Also called: PANCREATIC HYPOPLASIA, CONGENITAL, WITH DIABETES MELLITUS AND CONGENITAL HEART DISEASE; Pancreatic hypoplasia-diabetes-congenital heart disease syndrome. Identifiers: Orphanet 2255, MedGen C2931296, MONDO:0010802, OMIM 600001.

Submission:

Institute of Human Genetics, University of Leipzig Medical Center
Classification: Uncertain significance for Heart defects, congenital, and other congenital anomalies. Last evaluated: 2026-03-30. Review status: criteria provided, single submitter. Criteria: ACMG Guidelines, 2015. Collection method: clinical testing. Allele origin: unknown. Inheritance: Autosomal dominant inheritance. Affected: yes.
Comment: Criteria applied: PM2,PP3

NM_005257.6(GATA6):c.484T>A (p.Tyr162Asn)

Gene: GATA6 (GATA binding protein 6; plus strand). Cytogenetic location: 18q11.2.
Variant type: single nucleotide variant.
Coding change: c.484T>A on transcript NM_005257.6 (MANE Select); coding-DNA position 484, T replaced by A.
Protein change: p.Tyr162Asn; replaces tyrosine 162 with asparagine.
Molecular consequence: missense variant.
Genome position (GRCh38, 1-based): chr18:22,171,628, T>A. VCF-style: chr18-22171628-T-A. GRCh37 (hg19) VCF-style: chr18-19751589-T-A.
Other names: short protein forms Y162N.
Identifiers: ClinVar variation 4845405 (VCV004845405.1).